The following is an entry in ClinVar:

ClinVar aggregate classification (germline): Pathogenic (1 of 4 stars; one submission).

Conditions:
Cohen syndrome (COH1). Also called: PEPPER SYNDROME; Cutis verticis gyrata, retinitis pigmentosa, and sensorineural deafness. Identifiers: Orphanet 193, MedGen C0265223, MONDO:0008999, OMIM 216550.

Allele frequency attached by ClinVar (database versions not stated): gnomAD exomes below 0.00001.
gnomAD v4.1: 1 of 1,614,134 alleles (0.000062%); highest among the groups gnomAD compares: Non-Finnish European, 0.000085%; no homozygotes.

Submission:

Labcorp Genetics (formerly Invitae), Labcorp
Classification: Pathogenic for Cohen syndrome. Last evaluated: 2021-06-06. Review status: criteria provided, single submitter. Criteria: Invitae Variant Classification Sherloc (09022015). Collection method: clinical testing. Allele origin: germline.
Comment: For these reasons, this variant has been classified as Pathogenic. This sequence change creates a premature translational stop signal (p.Trp3327*) in the VPS13B gene. It is expected to result in an absent or disrupted protein product. Loss-of-function variants in VPS13B are known to be pathogenic (PMID: 15141358, 16648375, 20461111). This variant is not present in population databases (ExAC no frequency). This variant has not been reported in the literature in individuals with VPS13B-related conditions.

Literature cited by the submitters: PubMed 15141358; PubMed 16648375; PubMed 20461111.

NM_152564.5(VPS13B):c.9905G>A (p.Trp3302Ter)

Gene: VPS13B (vacuolar protein sorting 13 homolog B; plus strand). Cytogenetic location: 8q22.2.
Variant type: single nucleotide variant.
Coding change: c.9905G>A on transcript NM_152564.5 (MANE Select); coding-DNA position 9905, G replaced by A.
Protein change: p.Trp3302Ter; replaces tryptophan 3302 with a stop codon.
Molecular consequence: nonsense.
Genome position (GRCh38, 1-based): chr8:99,835,701, G>A. VCF-style: chr8-99835701-G-A. GRCh37 (hg19) VCF-style: chr8-100847929-G-A.
Other names: c.9980G>A, p.Trp3327Ter (NM_017890.5); short protein forms W3302*, W3327*.
Identifiers: ClinVar variation 1456929 (VCV001456929.6), dbSNP rs2130866735, ClinGen allele CA371784750.